The following is an entry in ClinVar:

ClinVar aggregate classification (germline): Pathogenic (1 of 4 stars; one submission).

Conditions:
Familial adenomatous polyposis 1 (FAP1). Also called: POLYPOSIS, ADENOMATOUS INTESTINAL; FAMILIAL ADENOMATOUS POLYPOSIS 1, ATTENUATED. Identifiers: MedGen C2713442, MONDO:0021056, OMIM 175100. Disease mechanism: loss of function.

Submission:

Myriad Genetics, Inc.
Classification: Pathogenic for Familial adenomatous polyposis 1. Last evaluated: 2023-05-12. Review status: criteria provided, single submitter. Criteria: Myriad Autosomal Dominant, Autosomal Recessive and X-Linked Classification Criteria (2023). Collection method: clinical testing. Allele origin: unknown.
Comment: This variant is considered pathogenic. This variant creates a frameshift predicted to result in premature protein truncation.

NM_000038.6(APC):c.5775dup (p.Ile1926fs)

Gene: APC (APC regulator of Wnt signaling pathway; plus strand). Cytogenetic location: 5q22.2.
Variant type: Duplication.
Coding change: c.5775dup on transcript NM_000038.6 (MANE Select); coding-DNA position 5775, one base duplicated (C; older notation c.5775dupC).
Protein change: p.Ile1926fs; shifts the reading frame from isoleucine 1926.
Molecular consequence: frameshift variant. On other transcripts: non-coding transcript variant (2).
Genome position (GRCh38, 1-based): chr5:112,841,369, C duplicated; the last of 3 consecutive C bases (chr5:112,841,367-112,841,369); duplicating any one gives the same sequence. VCF-style (leftmost placement, unchanged base first): chr5-112841366-A-AC. GRCh37 (hg19) VCF-style: chr5-112177063-A-AC.
Other names: c.5775dup, p.Ile1926fs (NM_001127510.3, NM_001354895.2, NM_001407450.1); c.5721dup, p.Ile1908fs (NM_001127511.3); c.5829dup, p.Ile1944fs (NM_001354896.2, NM_001407447.1, NM_001407448.1 and 1 more transcripts); c.5805dup, p.Ile1936fs (NM_001354897.2); c.5700dup, p.Ile1901fs (NM_001354898.2); c.5691dup, p.Ile1898fs (NM_001354899.2); c.5652dup, p.Ile1885fs (NM_001354900.2); c.5598dup, p.Ile1867fs (NM_001354901.2, NM_001407453.1); and 11 more; short protein forms I1542fs, I1643fs, I1766fs, I1797fs, I1800fs, I1825fs, I1835fs, I1843fs.
Identifiers: ClinVar variation 2583621 (VCV002583621.2), dbSNP rs2533666080, ClinGen allele CA1139768300.
Genomic context (GRCh38, chr5:112,841,366, plus strand): 5'-ACAATCAGCTAATAAGACACAAGCTATTGCAAAGCAGCCAATAAATCGAGGTCAGCCTAA[A>AC]CCCATACTTCAGAAACAATCCACTTTTCCCCAGTCATCCAAAGACATACCAGACAGAGGG-3'